The following is an entry in ClinVar:

NM_001282531.3(ADNP):c.429C>A (p.Phe143Leu)

Gene: ADNP (activity dependent neuroprotector homeobox; minus strand). Cytogenetic location: 20q13.13.
Variant type: single nucleotide variant.
Coding change: c.429C>A on transcript NM_001282531.3 (MANE Select); coding-DNA position 429, C replaced by A.
Protein change: p.Phe143Leu; replaces phenylalanine 143 with leucine.
Molecular consequence: missense variant.
Genome position (GRCh38, 1-based): chr20:50,894,285, G>T on the plus strand (C>A on the coding strand, the complement: ADNP is on the minus strand). VCF-style: chr20-50894285-G-T. GRCh37 (hg19) VCF-style: chr20-49510822-G-T.
Other names: c.429C>A, p.Phe143Leu (NM_001282532.2, NM_001347511.2, NM_015339.5 and 1 more transcripts); short protein forms F143L.
Identifiers: ClinVar variation 2789226 (VCV002789226.3), dbSNP rs146104573, ClinGen allele CA9908883.
Genomic context (GRCh38, chr20:50,894,285, plus strand): 5'-AGCTTGCTCTACACTGTCAGCCTGCTTAGGTTTAAGGCCATCATTTTTGTTTTTATCTTT[G>T]AAAGTGCTGAGGCTGCTACTTGGTGCGCTGGCGTTCGGAGCATGAAATATTTTAATGTGT-3'
Protein context (NP_001269460.1, residues 133-153): ASAPSSSLST[Phe143Leu]KDKNKNDGLK

ClinVar aggregate classification (germline): Uncertain significance (1 of 4 stars; one submission).

Allele frequency attached by ClinVar (database versions not stated): TOPMed below 0.00001; ExAC 0.00001; gnomAD exomes 0.00001; ESP Exome Variant Server 0.00008.
gnomAD v4.1: 12 of 1,613,714 alleles (0.00074%); highest among the groups gnomAD compares: Non-Finnish European, 0.001%; no homozygotes.

Submission:

Labcorp Genetics (formerly Invitae), Labcorp
Classification: Uncertain significance. Last evaluated: 2023-05-25. Review status: criteria provided, single submitter. Criteria: Invitae Variant Classification Sherloc (09022015). Collection method: clinical testing. Allele origin: germline.
Comment: In summary, the available evidence is currently insufficient to determine the role of this variant in disease. Therefore, it has been classified as a Variant of Uncertain Significance. This sequence change replaces phenylalanine, which is neutral and non-polar, with leucine, which is neutral and non-polar, at codon 143 of the ADNP protein (p.Phe143Leu). This variant is not present in population databases (gnomAD no frequency). This variant has not been reported in the literature in individuals affected with ADNP-related conditions. An algorithm developed to predict the effect of missense changes on protein structure and function (PolyPhen-2) suggests that this variant is likely to be tolerated.